The following is an entry in ClinVar:

ClinVar aggregate classification (germline): Conflicting classifications of pathogenicity. Review status: criteria provided, conflicting classifications (1 of 4 stars). 5 submissions from 5 submitters: Uncertain significance (2); Likely benign (3). Last evaluated 2026-03-25.

Conditions:
SIX6-related disorder. Also called: SIX6-related condition.
Anophthalmia-microphthalmia syndrome. Also called: Anophthalmia/Microphthalmia; Anophthalmia - microphthalmia. Identifiers: Orphanet 98555, MedGen C5680330, MONDO:0020147.

Allele frequency attached by ClinVar (database versions not stated): gnomAD 0.00035; 1000 Genomes Project 30x 0.00062; gnomAD exomes 0.00066; ExAC 0.00069; TOPMed 0.00076; 1000 Genomes Project 0.00080.
gnomAD v4.1: 520 of 1,612,918 alleles (0.032%); highest among the groups gnomAD compares: East Asian, 1%; 6 homozygotes.

Submissions (5):

PreventionGenetics, part of Exact Sciences
Classification: Likely benign for SIX6-related condition. Last evaluated: 2026-03-25. Review status: criteria provided, single submitter. Criteria: ACMG Guidelines, 2015. Collection method: clinical testing. Allele origin: germline.
Comment: This variant is classified as likely benign based on ACMG/AMP sequence variant interpretation guidelines (Richards et al. 2015 PMID: 25741868, with internal and published modifications).

Labcorp Genetics (formerly Invitae), Labcorp
Classification: Likely benign. Last evaluated: 2025-08-13. Review status: criteria provided, single submitter. Criteria: Invitae Variant Classification Sherloc (09022015). Collection method: clinical testing. Allele origin: germline.

Blueprint Genetics
Classification: Likely benign. Last evaluated: 2024-11-08. Review status: criteria provided, single submitter. Criteria: ACMG Guidelines, 2015. Collection method: clinical testing. Allele origin: germline.

GeneDx
Classification: Uncertain significance. Last evaluated: 2019-04-15. Review status: criteria provided, single submitter. Criteria: GeneDx Variant Classification Process June 2021. Collection method: clinical testing. Allele origin: germline. Affected: yes.
Comment: In silico analysis, which includes protein predictors and evolutionary conservation, supports that this variant does not alter protein structure/function; This variant is associated with the following publications: (PMID: 20057906)

Illumina Laboratory Services, Illumina
Classification: Uncertain significance for Anophthalmia-microphthalmia syndrome. Last evaluated: 2018-01-12. Review status: criteria provided, single submitter. Criteria: ICSL Variant Classification Criteria 13 December 2019. Collection method: clinical testing. Allele origin: germline.

NM_007374.3(SIX6):c.637C>T (p.Pro213Ser)

Genes: C14orf39 (chromosome 14 open reading frame 39; minus strand), SIX6 (SIX homeobox 6; plus strand). Cytogenetic location: 14q23.1.
Variant type: single nucleotide variant.
Coding change: c.637C>T on transcript NM_007374.3 (MANE Select); coding-DNA position 637, C replaced by T.
Protein change: p.Pro213Ser; replaces proline 213 with serine.
Molecular consequence: missense variant.
Genome position (GRCh38, 1-based): chr14:60,511,148, C>T. VCF-style: chr14-60511148-C-T. GRCh37 (hg19) VCF-style: chr14-60977866-C-T.
Other names: short protein forms P213S.
Identifiers: ClinVar variation 790956 (VCV000790956.16), dbSNP rs201560655, ClinGen allele CA7212652.